The following is an entry in ClinVar:

ClinVar aggregate classification (germline): Benign/Likely benign. Review status: criteria provided, multiple submitters, no conflicts (2 of 4 stars). 6 submissions from 6 submitters: Benign (3); Likely benign (3). Last evaluated 2026-09-01.

Conditions:
Inborn genetic diseases. Identifiers: MedGen C0950123, MeSH D030342.
Intellectual developmental disorder, autosomal dominant 6, with or without seizures. Also called: Intellectual disability, autosomal dominant 6; GRIN2B-related developmental delay, intellectual disability and autism spectrum disorder. Identifiers: Orphanet 589547, MedGen C3151411, MONDO:0013509, OMIM 613970.
Developmental and epileptic encephalopathy, 27 (DEE27). Also called: Epileptic encephalopathy, early infantile, 27; GRIN2B-Related Neurodevelopmental Disorder. Identifiers: Orphanet 3451, MedGen C4015316, MONDO:0014505, OMIM 616139.

Allele frequency attached by ClinVar (database versions not stated): gnomAD exomes 0.00010 and 0.00031; ExAC 0.00035; 1000 Genomes Project 0.00080; 1000 Genomes Project 30x 0.00109; gnomAD 0.00118 and 0.00123; TOPMed 0.00130; ESP Exome Variant Server 0.00131.
gnomAD v4.1: 336 of 1,614,156 alleles (0.021%); highest among the groups gnomAD compares: African/African-American, 0.38%; 1 homozygote.

Submissions (6):

CeGaT Center for Human Genetics Tuebingen
Classification: Likely benign. Last evaluated: 2026-09-01. Review status: criteria provided, single submitter. Criteria: CeGaT Center For Human Genetics Tuebingen Variant Classification Criteria Version 2. Collection method: clinical testing. Allele origin: germline. Affected: yes. Observed: 4 variant alleles.
Comment: GRIN2B: BP4, BP7

Labcorp Genetics (formerly Invitae), Labcorp
Classification: Benign for Developmental and epileptic encephalopathy, 27; Intellectual developmental disorder, autosomal dominant 6, with or without seizures. Last evaluated: 2026-02-03. Review status: criteria provided, single submitter. Criteria: Invitae Variant Classification Sherloc (09022015). Collection method: clinical testing. Allele origin: germline.

ARUP Laboratories, Molecular Genetics and Genomics, ARUP Laboratories
Classification: Benign. Last evaluated: 2024-09-16. Review status: criteria provided, single submitter. Criteria: ARUP Molecular Germline Variant Investigation Process 2024. Collection method: clinical testing. Allele origin: germline.

Blueprint Genetics
Classification: Likely benign. Last evaluated: 2023-12-01. Review status: criteria provided, single submitter. Criteria: ACMG Guidelines, 2015. Collection method: clinical testing. Allele origin: germline.

Ambry Genetics
Classification: Likely benign for Inborn genetic diseases. Last evaluated: 2016-01-08. Review status: criteria provided, single submitter. Criteria: Ambry Variant Classification Scheme 2023. Collection method: clinical testing. Allele origin: germline.

GeneDx
Classification: Benign. Last evaluated: 2014-02-20. Review status: criteria provided, single submitter. Criteria: GeneDx Variant Classification (06012015). Collection method: clinical testing. Allele origin: germline. Affected: yes.
Comment: This variant is considered likely benign or benign based on one or more of the following criteria: it is a conservative change, it occurs at a poorly conserved position in the protein, it is predicted to be benign by multiple in silico algorithms, and/or has population frequency not consistent with disease.

NM_000834.5(GRIN2B):c.3117C>T (p.Tyr1039=)

Gene: GRIN2B (glutamate ionotropic receptor NMDA type subunit 2B; minus strand). Cytogenetic location: 12p13.1.
Variant type: single nucleotide variant.
Coding change: c.3117C>T on transcript NM_000834.5 (MANE Select); coding-DNA position 3117, C replaced by T.
Protein change: p.Tyr1039=; no amino-acid change (tyrosine 1039 retained).
Molecular consequence: synonymous variant.
Genome position (GRCh38, 1-based): chr12:13,564,121, G>A on the plus strand (C>T on the coding strand, the complement: GRIN2B is on the minus strand). VCF-style: chr12-13564121-G-A. GRCh37 (hg19) VCF-style: chr12-13717055-G-A.
Other names: p.Y1039Y:TAC>TAT.
Identifiers: ClinVar variation 137520 (VCV000137520.41), dbSNP rs147762014, ClinGen allele CA291135.
Genomic context (GRCh38, chr12:13,564,121, plus strand): 5'-ATCGGAGCGGATCAAGTCGTCGTGGCCACTGTAGCGGTCGCTCTTGAAGGAGAATTTGCC[G>A]TACAGGTCACTGAGCTGGCTGTGCTTGGAGGAGGGGAGGCCGATGTCCAGGGGCTTCTTG-3'
Protein context (NP_000825.2, residues 1029-1049): SSKHSQLSDL[Tyr1039=]GKFSFKSDRY